The following is an entry in ClinVar:

ClinVar aggregate classification (germline): Uncertain significance (1 of 4 stars; one submission).

Conditions:
Hepatic methionine adenosyltransferase deficiency. Also called: Deficiency of methionine adenosyltransferase; Methionine adenosyltransferase deficiency; Isolated Persistent Hypermethioninemia; MAT I/III DEFICIENCY. Identifiers: Orphanet 168598, MedGen C0268621, MeSH C564683, MONDO:0009607, OMIM 250850.

Submission:

Labcorp Genetics (formerly Invitae), Labcorp
Classification: Uncertain significance for Hepatic methionine adenosyltransferase deficiency. Last evaluated: 2025-01-11. Review status: criteria provided, single submitter. Criteria: Invitae Variant Classification Sherloc (09022015). Collection method: clinical testing. Allele origin: germline.
Comment: This variant, c.398_400del, results in the deletion of 1 amino acid(s) of the MAT1A protein (p.Gly133del), but otherwise preserves the integrity of the reading frame. This variant is not present in population databases (gnomAD no frequency). This variant has been observed in individual(s) with clinical features of MAT1A-related conditions (internal data). In summary, the available evidence is currently insufficient to determine the role of this variant in disease. Therefore, it has been classified as a Variant of Uncertain Significance.

NM_000429.3(MAT1A):c.398_400del (p.Gly133del)

Gene: MAT1A (methionine adenosyltransferase 1A; minus strand). Cytogenetic location: 10q22.3.
Variant type: Deletion.
Coding change: c.398_400del on transcript NM_000429.3 (MANE Select); coding-DNA positions 398 to 400, 3 bases deleted (GAG; older notation c.398_400delGAG).
Protein change: p.Gly133del; deletes glycine 133.
Genome position (GRCh38, 1-based): chr10:80,280,685-80,280,687, CTC deleted on the plus strand (GAG on the coding strand, the reverse complement: MAT1A is on the minus strand); deleting any 3 consecutive bases within chr10:80,280,685-80,280,689 gives the same sequence; the c. name uses the placement nearest the transcript's 3' end. VCF-style (leftmost placement, unchanged base first): chr10-80280684-TCTC-T. GRCh37 (hg19) VCF-style: chr10-82040440-TCTC-T.
Other names: short protein forms G133del.
Identifiers: ClinVar variation 3726523 (VCV003726523.2).